The following is an entry in ClinVar:

ClinVar aggregate classification (germline): Uncertain significance (1 of 4 stars; one submission).

Conditions:
Developmental and epileptic encephalopathy, 9 (DEE9). Also called: Early infantile epileptic encephalopathy 9; JUBERG-HELLMAN SYNDROME; PCDH19-Related X-Linked Female-Limited Epilepsy with Mental Retardation; EPILEPSY, FEMALE-RESTRICTED, WITH MENTAL RETARDATION. Identifiers: Orphanet 101039, Orphanet 2076, MedGen C1848137, MONDO:0010246, OMIM 300088. Disease mechanism: loss of function.

Submission:

Labcorp Genetics (formerly Invitae), Labcorp
Classification: Uncertain significance for Developmental and epileptic encephalopathy, 9. Last evaluated: 2023-12-27. Review status: criteria provided, single submitter. Criteria: Invitae Variant Classification Sherloc (09022015). Collection method: clinical testing. Allele origin: germline.
Comment: This sequence change replaces asparagine, which is neutral and polar, with lysine, which is basic and polar, at codon 254 of the PCDH19 protein (p.Asn254Lys). This variant is not present in population databases (gnomAD no frequency). This variant has not been reported in the literature in individuals affected with PCDH19-related conditions. Advanced modeling of protein sequence and biophysical properties (such as structural, functional, and spatial information, amino acid conservation, physicochemical variation, residue mobility, and thermodynamic stability) performed at Invitae indicates that this missense variant is not expected to disrupt PCDH19 protein function with a negative predictive value of 95%. In summary, the available evidence is currently insufficient to determine the role of this variant in disease. Therefore, it has been classified as a Variant of Uncertain Significance.

NM_001184880.2(PCDH19):c.762C>A (p.Asn254Lys)

Gene: PCDH19 (protocadherin 19; minus strand). Cytogenetic location: Xq22.1.
Variant type: single nucleotide variant.
Coding change: c.762C>A on transcript NM_001184880.2 (MANE Select); coding-DNA position 762, C replaced by A.
Protein change: p.Asn254Lys; replaces asparagine 254 with lysine.
Molecular consequence: missense variant.
Genome position (GRCh38, 1-based): chrX:100,407,836, G>T on the plus strand (C>A on the coding strand, the complement: PCDH19 is on the minus strand). VCF-style: chrX-100407836-G-T. GRCh37 (hg19) VCF-style: chrX-99662834-G-T.
Other names: c.762C>A, p.Asn254Lys (NM_001105243.2, NM_020766.3); short protein forms N254K.
Identifiers: ClinVar variation 2978427 (VCV002978427.3), dbSNP rs2520990262, ClinGen allele CA414008265.
Genomic context (GRCh38, chrX:100,407,836, plus strand): 5'-GACCACCTGGCCGTTGGTGCCCTCGTCTGGATCGCTGGCGTTGAGGCGGATGACGGGTGT[G>T]TTGGGAGGCGAGTTTTCTGGCACGCTCACCGCGTAGGTGGACTCGCTAAACACCGGGTTG-3'
Protein context (NP_001171809.1, residues 244-264): AVSVPENSPP[Asn254Lys]TPVIRLNASD